The following is an entry in ClinVar:

NM_014875.3(KIF14):c.2040C>T (p.Pro680=)

Gene: KIF14 (kinesin family member 14; minus strand). Cytogenetic location: 1q32.1.
Variant type: single nucleotide variant.
Coding change: c.2040C>T on transcript NM_014875.3 (MANE Select); coding-DNA position 2040, C replaced by T.
Protein change: p.Pro680=; no amino-acid change (proline 680 retained).
Molecular consequence: synonymous variant.
Genome position (GRCh38, 1-based): chr1:200,602,008, G>A on the plus strand (C>T on the coding strand, the complement: KIF14 is on the minus strand). VCF-style: chr1-200602008-G-A. GRCh37 (hg19) VCF-style: chr1-200571136-G-A.
Other names: c.567C>T, p.Pro189= (NM_001305792.1).
Identifiers: ClinVar variation 2443156 (VCV002443156.11), dbSNP rs147146959, ClinGen allele CA1317630.

ClinVar aggregate classification (germline): Likely benign. Review status: criteria provided, multiple submitters, no conflicts (2 of 4 stars). 3 submissions from 3 submitters: Likely benign (2). 1 of the submissions does not count toward it. Last evaluated 2026-01-26.

Allele frequency attached by ClinVar (database versions not stated): gnomAD exomes 0.00006; ExAC 0.00011; ESP Exome Variant Server 0.00023; gnomAD 0.00029; TOPMed 0.00029; 1000 Genomes Project 30x 0.00047; 1000 Genomes Project 0.00060.
gnomAD v4.1: 144 of 1,613,734 alleles (0.0089%); highest among the groups gnomAD compares: African/African-American, 0.11%; no homozygotes.

Submissions (3):

Labcorp Genetics (formerly Invitae), Labcorp
Classification: Likely benign. Last evaluated: 2026-01-26. Review status: criteria provided, single submitter. Criteria: Invitae Variant Classification Sherloc (09022015). Collection method: clinical testing. Allele origin: germline.

CeGaT Center for Human Genetics Tuebingen
Classification: Likely benign. Last evaluated: 2025-09-01. Review status: criteria provided, single submitter. Criteria: CeGaT Center For Human Genetics Tuebingen Variant Classification Criteria Version 2. Collection method: clinical testing. Allele origin: germline. Affected: yes. Observed: 1 variant allele.
Comment: KIF14: BP4, BP7

Genetic Services Laboratory, University of Chicago
Classification: Likely benign. Last evaluated: 2022-05-10. Review status: no assertion criteria provided. Collection method: clinical testing. Allele origin: germline. Affected: no. Not counted in ClinVar's aggregate classification.